The following is an entry in ClinVar:

ClinVar aggregate classification (germline): Uncertain significance (1 of 4 stars; one submission).

Conditions:
Short-rib thoracic dysplasia 6 with or without polydactyly (SRTD6). Also called: Majewski Syndrome; SHORT RIB-POLYDACTYLY SYNDROME, TYPE IIA; SHORT-RIB THORACIC DYSPLASIA 6 WITH POLYDACTYLY; SHORT-RIB THORACIC DYSPLASIA 6 WITHOUT POLYDACTYLY; POLYDACTYLY WITH NEONATAL CHONDRODYSTROPHY, TYPE II. Identifiers: MedGen C0024507, MONDO:0009894, OMIM 263520.

Allele frequency attached by ClinVar (database versions not stated): gnomAD exomes below 0.00001; gnomAD 0.00001; TOPMed 0.00001.
gnomAD v4.1: 3 of 1,597,934 alleles (0.00019%); highest among the groups gnomAD compares: Admixed American, 0.0052%; no homozygotes.

Submission:

Labcorp Genetics (formerly Invitae), Labcorp
Classification: Uncertain significance for Short-rib thoracic dysplasia 6 with or without polydactyly. Last evaluated: 2024-10-16. Review status: criteria provided, single submitter. Criteria: Invitae Variant Classification Sherloc (09022015). Collection method: clinical testing. Allele origin: germline.
Comment: This sequence change replaces lysine, which is basic and polar, with threonine, which is neutral and polar, at codon 123 of the NEK1 protein (p.Lys123Thr). This variant is not present in population databases (gnomAD no frequency). This variant has not been reported in the literature in individuals affected with NEK1-related conditions. ClinVar contains an entry for this variant (Variation ID: 964263). An algorithm developed to predict the effect of missense changes on protein structure and function (PolyPhen-2) suggests that this variant is likely to be disruptive. In summary, the available evidence is currently insufficient to determine the role of this variant in disease. Therefore, it has been classified as a Variant of Uncertain Significance.

NM_001199397.3(NEK1):c.368A>C (p.Lys123Thr)

Gene: NEK1 (NIMA related kinase 1; minus strand). Cytogenetic location: 4q33.
Variant type: single nucleotide variant.
Coding change: c.368A>C on transcript NM_001199397.3 (MANE Select); coding-DNA position 368, A replaced by C.
Protein change: p.Lys123Thr; replaces lysine 123 with threonine.
Molecular consequence: missense variant. On other transcripts: non-coding transcript variant (2).
Genome position (GRCh38, 1-based): chr4:169,590,754, T>G on the plus strand (A>C on the coding strand, the complement: NEK1 is on the minus strand). VCF-style: chr4-169590754-T-G. GRCh37 (hg19) VCF-style: chr4-170511905-T-G.
Other names: c.368A>C, p.Lys123Thr (NM_001199398.3, NM_001199399.3, NM_001199400.3 and 7 more transcripts); short protein forms K123T.
Identifiers: ClinVar variation 964263 (VCV000964263.9), dbSNP rs1561472203, ClinGen allele CA358741480.